The following is an entry in ClinVar:

NM_001384900.1(SEMA3D):c.2280A>C (p.Arg760=)

Genes: SEMA3D (semaphorin 3D; minus strand), LOC126860094 (BRD4-independent group 4 enhancer GRCh37_chr7:84628763-84629962; plus strand). Cytogenetic location: 7q21.11.
Variant type: single nucleotide variant.
Coding change: c.2280A>C on transcript NM_001384900.1 (MANE Select); coding-DNA position 2280, A replaced by C.
Protein change: p.Arg760=; no amino-acid change (arginine 760 retained).
Molecular consequence: synonymous variant.
Genome position (GRCh38, 1-based): chr7:84,999,494, T>G on the plus strand (A>C on the coding strand, the complement: SEMA3D is on the minus strand). VCF-style: chr7-84999494-T-G. GRCh37 (hg19) VCF-style: chr7-84628810-T-G.
Other names: c.2280A>C, p.Arg760= (NM_001384901.1, NM_001384902.1, NM_001384903.1 and 1 more transcripts).
Identifiers: ClinVar variation 3358827 (VCV003358827.1).
Genomic context (GRCh38, chr7:84,999,494, plus strand): 5'-AGAAAACTACGTGGCTACAGCTCTAGGGAGCTCATCCAGGTCTCTGTGATGTCTTCGATT[T>G]CGTTTCTTCTTCATTTCCTGCATGTGCTTCCACTTTGGGCCCCCCTTGTTTCTCTGTCTC-3'
Protein context (NP_001371829.1, residues 750-770): WKHMQEMKKK[Arg760=]NRRHHRDLDE

ClinVar aggregate classification (germline): Likely benign (0 of 4 stars; one submission).

Conditions:
SEMA3D-related disorder. Also called: SEMA3D-related condition.

gnomAD v4.1: 18 of 1,613,986 alleles (0.0011%); highest among the groups gnomAD compares: Middle Eastern, 0.033%; no homozygotes.

Submission:

PreventionGenetics, part of Exact Sciences
Classification: Likely benign for SEMA3D-related condition. Last evaluated: 2024-05-26. Review status: no assertion criteria provided. Collection method: clinical testing. Allele origin: germline.
Comment: This variant is classified as likely benign based on ACMG/AMP sequence variant interpretation guidelines (Richards et al. 2015 PMID: 25741868, with internal and published modifications).